The following is an entry in ClinVar:

ClinVar aggregate classification (germline): Pathogenic (1 of 4 stars; one submission).

Conditions:
GNPTAB-mucolipidosis. Also called: UDP-N-acetylglucosamine-1-phosphotransferase subunit alpha/beta deficiency. Identifiers: MedGen CN322573, MONDO:0100122.

Submission:

Myriad Genetics, Inc.
Classification: Pathogenic for GNPTAB-mucolipidosis. Last evaluated: 2024-07-15. Review status: criteria provided, single submitter. Criteria: Myriad Autosomal Dominant, Autosomal Recessive and X-Linked Classification Criteria (2023). Collection method: clinical testing. Allele origin: unknown.
Comment: NM_024312.4(GNPTAB):c.2603delA(N868Ifs*3) is expected to be pathogenic in the context of GNPTAB-related disorders. This variant is predicted to lead to an abnormal or absent protein product due to the creation of a premature termination codon in GNPTAB, a gene where loss-of-function variants are known to be pathogenic. Please note: this variant was assessed in the context of healthy population screening.

NM_024312.5(GNPTAB):c.2603del (p.Asn868fs)

Gene: GNPTAB (N-acetylglucosamine-1-phosphate transferase subunits alpha and beta; minus strand). Cytogenetic location: 12q23.2.
Variant type: Deletion.
Coding change: c.2603del on transcript NM_024312.5 (MANE Select); coding-DNA position 2603, one base deleted (A; older notation c.2603delA).
Protein change: p.Asn868fs; shifts the reading frame from asparagine 868.
Molecular consequence: frameshift variant.
Genome position (GRCh38, 1-based): chr12:101,764,314, T deleted on the plus strand (A on the coding strand, the reverse complement: GNPTAB is on the minus strand); the first of 4 consecutive T bases (chr12:101,764,314-101,764,317); deleting any one gives the same sequence. VCF-style (leftmost placement, unchanged base first): chr12-101764313-AT-A. GRCh37 (hg19) VCF-style: chr12-102158091-AT-A.
Other names: short protein forms N868fs.
Identifiers: ClinVar variation 5013312 (VCV005013312.1).
Genomic context (GRCh38, chr12:101,764,313, plus strand): 5'-GTAACTATCTGTGTAATGCTGCAGCTTTCTTCCAAGTAACACTTCAGTAACGCCTATGTG[AT>A]TTTCAGCATTTTCCTCCATTCTACTGTTCTCTTTTTCTTTCCCTGTGATTTTCTTTTCTT-3'